The following is an entry in ClinVar:

ClinVar aggregate classification (germline): Likely benign (1 of 4 stars; one submission).

Submission:

CeGaT Center for Human Genetics Tuebingen
Classification: Likely benign. Last evaluated: 2025-05-01. Review status: criteria provided, single submitter. Criteria: CeGaT Center For Human Genetics Tuebingen Variant Classification Criteria Version 2. Collection method: clinical testing. Allele origin: germline. Affected: yes. Observed: 1 variant allele.
Comment: KDM5A: BP4, BS2

NM_001042603.3(KDM5A):c.2151-22_2151-5dup

Gene: KDM5A (lysine demethylase 5A; minus strand). Cytogenetic location: 12p13.33.
Variant type: Duplication.
Coding change: c.2151-22_2151-5dup on transcript NM_001042603.3 (MANE Select); 22 bases into the intron before coding-DNA position 2151 through 5 bases into the intron before coding-DNA position 2151, 18 bases duplicated (TTTTTTTTTTTTTTTTTT).
Molecular consequence: intron variant.
Genome position (GRCh38, 1-based): chr12:323,211-323,228, AAAAAAAAAAAAAAAAAA duplicated on the plus strand (TTTTTTTTTTTTTTTTTT on the coding strand, the reverse complement: KDM5A is on the minus strand); duplicating any 18 consecutive bases within chr12:323,211-323,239 gives the same sequence; the c. name uses the placement nearest the transcript's 3' end. VCF-style (leftmost placement, unchanged base first): chr12-323210-C-CAAAAAAAAAAAAAAAAAA. GRCh37 (hg19) VCF-style: chr12-432376-C-CAAAAAAAAAAAAAAAAAA.
Identifiers: ClinVar variation 3905239 (VCV003905239.10).